The following is an entry in ClinVar:

NM_004415.4(DSP):c.7792A>T (p.Ser2598Cys)

Gene: DSP (desmoplakin; plus strand). Cytogenetic location: 6p24.3.
Variant type: single nucleotide variant.
Coding change: c.7792A>T on transcript NM_004415.4 (MANE Select); coding-DNA position 7792, A replaced by T.
Protein change: p.Ser2598Cys; replaces serine 2598 with cysteine.
Molecular consequence: missense variant.
Genome position (GRCh38, 1-based): chr6:7,585,054, A>T. VCF-style: chr6-7585054-A-T. GRCh37 (hg19) VCF-style: chr6-7585287-A-T.
Other names: c.5995A>T, p.Ser1999Cys (NM_001008844.3); c.6463A>T, p.Ser2155Cys (NM_001319034.2); short protein forms S2155C, S2598C, S1999C.
Identifiers: ClinVar variation 928202 (VCV000928202.5), dbSNP rs1320923132, ClinGen allele CA362693784.
Genomic context (GRCh38, chr6:7,585,054, plus strand): 5'-AGCGATGATGTTTTTAGCAGCTCCCGACATGAATCAGTAAGTAAGATTTCCACCATATCC[A>T]GCGTCAGGAATTTAACCATAAGGAGCAGCTCTTTTTCAGACACCCTGGAAGAATCGAGCC-3'
Protein context (NP_004406.2, residues 2588-2608): ESVSKISTIS[Ser2598Cys]VRNLTIRSSS

ClinVar aggregate classification (germline): Uncertain significance (1 of 4 stars; one submission).

Conditions:
Cardiomyopathy (CMYO). Also called: Cardiomyopathies. Identifiers: Orphanet 167848, MedGen C0878544, MONDO:0004994, HP:0001638. Inheritance: Various modes of inheritance.

Submission:

Color Diagnostics, LLC DBA Color Health
Classification: Uncertain significance for Cardiomyopathy. Last evaluated: 2023-12-05. Review status: criteria provided, single submitter. Criteria: ACMG Guidelines, 2015. Collection method: clinical testing. Allele origin: germline.
Comment: Variant of Uncertain Significance due to insufficient evidence: This missense variant replaces serine with cysteine at codon 2598 of the DSP protein. Computational prediction tools and conservation analyses are inconclusive regarding the impact of this variant on the protein function. Computational splicing analysis is inconclusive regarding the impact of this variant on RNA splicing. To our knowledge, functional assays have not been performed for this variant nor has this variant been reported in individuals affected with cardiovascular disorders in the literature. This variant is rare in the general population and has been identified in 0/277264 chromosomes by the Genome Aggregation Database (gnomAD). Available evidence is insufficient to determine the role of this variant in disease conclusively.